The following is an entry in ClinVar:

ClinVar aggregate classification (germline): Uncertain significance (1 of 4 stars; one submission).

Conditions:
Imerslund-Grasbeck syndrome. Also called: Imerslund-Gräsbeck syndrome; PERNICIOUS ANEMIA, JUVENILE, DUE TO SELECTIVE INTESTINAL MALABSORPTION OF VITAMIN B12, WITH PROTEINURIA; ENTEROCYTE COBALAMIN MALABSORPTION; ENTEROCYTE INTRINSIC FACTOR RECEPTOR, DEFECT OF; Megaloblastic anemia due to inborn errors of metabolism. Identifiers: Orphanet 35858, MedGen C4551825, MONDO:0009853.

gnomAD v4.1: 1 of 1,613,772 alleles (0.000062%); highest among the groups gnomAD compares: Admixed American, 0.0017%; no homozygotes.

Submission:

Labcorp Genetics (formerly Invitae), Labcorp
Classification: Uncertain significance for Imerslund-Grasbeck syndrome. Last evaluated: 2022-05-25. Review status: criteria provided, single submitter. Criteria: Invitae Variant Classification Sherloc (09022015). Collection method: clinical testing. Allele origin: germline.
Comment: This sequence change replaces serine, which is neutral and polar, with arginine, which is basic and polar, at codon 3461 of the CUBN protein (p.Ser3461Arg). This variant is not present in population databases (gnomAD no frequency). This variant has not been reported in the literature in individuals affected with CUBN-related conditions. Algorithms developed to predict the effect of missense changes on protein structure and function output the following: SIFT: "Tolerated"; PolyPhen-2: "Benign"; Align-GVGD: "Class C0". The arginine amino acid residue is found in multiple mammalian species, which suggests that this missense change does not adversely affect protein function. In summary, the available evidence is currently insufficient to determine the role of this variant in disease. Therefore, it has been classified as a Variant of Uncertain Significance.

NM_001081.4(CUBN):c.10383C>A (p.Ser3461Arg)

Gene: CUBN (cubilin; minus strand). Cytogenetic location: 10p13.
Variant type: single nucleotide variant.
Coding change: c.10383C>A on transcript NM_001081.4 (MANE Select); coding-DNA position 10383, C replaced by A.
Protein change: p.Ser3461Arg; replaces serine 3461 with arginine.
Molecular consequence: missense variant.
Genome position (GRCh38, 1-based): chr10:16,831,397, G>T on the plus strand (C>A on the coding strand, the complement: CUBN is on the minus strand). VCF-style: chr10-16831397-G-T. GRCh37 (hg19) VCF-style: chr10-16873396-G-T.
Other names: short protein forms S3461R.
Identifiers: ClinVar variation 2057610 (VCV002057610.1), dbSNP rs141937843, ClinGen allele CA376120730.